The following is an entry in ClinVar:

NM_000243.3(MEFV):c.377G>A (p.Gly126Glu)

Gene: MEFV (MEFV innate immunity regulator, pyrin; minus strand). Cytogenetic location: 16p13.3.
Variant type: single nucleotide variant.
Coding change: c.377G>A on transcript NM_000243.3 (MANE Select); coding-DNA position 377, G replaced by A.
Protein change: p.Gly126Glu; replaces glycine 126 with glutamic acid.
Molecular consequence: missense variant. On other transcripts: intron variant (1).
Genome position (GRCh38, 1-based): chr16:3,254,691, C>T on the plus strand (G>A on the coding strand, the complement: MEFV is on the minus strand). VCF-style: chr16-3254691-C-T. GRCh37 (hg19) VCF-style: chr16-3304691-C-T.
Other names: c.277+1620G>A (NM_001198536.2); short protein forms G126E.
Identifiers: ClinVar variation 1953083 (VCV001953083.6), dbSNP rs1390689550, ClinGen allele CA394481985.

ClinVar aggregate classification (germline): Uncertain significance. Review status: criteria provided, multiple submitters, no conflicts (2 of 4 stars). 2 submissions from 2 submitters: Uncertain significance (2). Last evaluated 2023-07-18.

Conditions:
Familial Mediterranean fever (FMF). Also called: POLYSEROSITIS, FAMILIAL PAROXYSMAL; POLYSEROSITIS, RECURRENT; Periodic peritonitis; Benign paroxysmal peritonitis. Identifiers: Orphanet 342, MedGen C0031069, MONDO:0018088, OMIM 249100. Disease mechanism: gain of function.

Submissions (2):

Blueprint Genetics
Classification: Uncertain significance. Last evaluated: 2023-07-18. Review status: criteria provided, single submitter. Criteria: ACMG Guidelines, 2015. Collection method: clinical testing. Allele origin: germline.

Labcorp Genetics (formerly Invitae), Labcorp
Classification: Uncertain significance for Familial Mediterranean fever. Last evaluated: 2022-10-05. Review status: criteria provided, single submitter. Criteria: Invitae Variant Classification Sherloc (09022015). Collection method: clinical testing. Allele origin: germline.
Comment: This variant is not present in population databases (gnomAD no frequency). This sequence change replaces glycine, which is neutral and non-polar, with glutamic acid, which is acidic and polar, at codon 126 of the MEFV protein (p.Gly126Glu). In summary, the available evidence is currently insufficient to determine the role of this variant in disease. Therefore, it has been classified as a Variant of Uncertain Significance. Algorithms developed to predict the effect of missense changes on protein structure and function are either unavailable or do not agree on the potential impact of this missense change (SIFT: "Deleterious"; PolyPhen-2: "Benign"; Align-GVGD: "Class C0"). This variant has not been reported in the literature in individuals affected with MEFV-related conditions.